The following is an entry in ClinVar:

ClinVar aggregate classification (germline): Uncertain significance. Review status: criteria provided, multiple submitters, no conflicts (2 of 4 stars). 4 submissions from 4 submitters: Uncertain significance (3). 1 of the submissions does not count toward it. Last evaluated 2025-12-11.

Conditions:
Inborn genetic diseases. Identifiers: MedGen C0950123, MeSH D030342.
Ehlers-Danlos syndrome, dermatosparaxis type. Also called: EDS VIIC; Ehlers-Danlos syndrome, type VII, autosomal recessive; Dermatosparaxis. Identifiers: Orphanet 1901, MedGen C2700425, MONDO:0009161, OMIM 225410.

Allele frequency attached by ClinVar (database versions not stated): gnomAD 0.00001; ExAC 0.00002; TOPMed 0.00002.
gnomAD v4.1: 16 of 1,613,962 alleles (0.00099%); highest among the groups gnomAD compares: Non-Finnish European, 0.0012%; no homozygotes.

Submissions (4):

Myriad Genetics, Inc.
Classification: Uncertain significance for Ehlers-Danlos syndrome, dermatosparaxis type. Last evaluated: 2025-12-11. Review status: criteria provided, single submitter. Criteria: Myriad Autosomal Dominant, Autosomal Recessive and X-Linked Classification Criteria (2023). Collection method: clinical testing. Allele origin: unknown.
Comment: NM_014244.4(ADAMTS2):c.3503A>G(H1168R) is a missense variant classified as a variant of uncertain significance in the context of Ehlers-Danlos syndrome, ADAMTS2-related. H1168R has not been observed in cases with relevant disease. Relevant functional assessments of this variant are not available in the literature. H1168R has been observed in referenced population frequency databases. In summary, there is insufficient evidence to classify NM_014244.4(ADAMTS2):c.3503A>G(H1168R) as pathogenic or benign. Please note: this variant was assessed in the context of healthy population screening.

Labcorp Genetics (formerly Invitae), Labcorp
Classification: Uncertain significance for Ehlers-Danlos syndrome, dermatosparaxis type. Last evaluated: 2022-03-03. Review status: criteria provided, single submitter. Criteria: Invitae Variant Classification Sherloc (09022015). Collection method: clinical testing. Allele origin: germline.
Comment: This sequence change replaces histidine, which is basic and polar, with arginine, which is basic and polar, at codon 1168 of the ADAMTS2 protein (p.His1168Arg). This variant is present in population databases (rs141541318, gnomAD 0.002%). This variant has not been reported in the literature in individuals affected with ADAMTS2-related conditions. ClinVar contains an entry for this variant (Variation ID: 573832). Algorithms developed to predict the effect of missense changes on protein structure and function (SIFT, PolyPhen-2, Align-GVGD) all suggest that this variant is likely to be tolerated. In summary, the available evidence is currently insufficient to determine the role of this variant in disease. Therefore, it has been classified as a Variant of Uncertain Significance.

Ambry Genetics
Classification: Uncertain significance for Inborn genetic diseases. Last evaluated: 2021-08-09. Review status: criteria provided, single submitter. Criteria: Ambry Variant Classification Scheme 2023. Collection method: clinical testing. Allele origin: germline.

Natera, Inc.
Classification: Uncertain significance for Ehlers-Danlos syndrome type VIIC. Last evaluated: 2019-10-28. Review status: no assertion criteria provided. Collection method: clinical testing. Allele origin: germline. Not counted in ClinVar's aggregate classification.

NM_014244.5(ADAMTS2):c.3503A>G (p.His1168Arg)

Gene: ADAMTS2 (ADAM metallopeptidase with thrombospondin type 1 motif 2; minus strand). Cytogenetic location: 5q35.3.
Variant type: single nucleotide variant.
Coding change: c.3503A>G on transcript NM_014244.5 (MANE Select); coding-DNA position 3503, A replaced by G.
Protein change: p.His1168Arg; replaces histidine 1168 with arginine.
Molecular consequence: missense variant.
Genome position (GRCh38, 1-based): chr5:179,114,000, T>C on the plus strand (A>G on the coding strand, the complement: ADAMTS2 is on the minus strand). VCF-style: chr5-179114000-T-C. GRCh37 (hg19) VCF-style: chr5-178541001-T-C.
Other names: short protein forms H1168R.
Identifiers: ClinVar variation 573832 (VCV000573832.9), dbSNP rs141541318, ClinGen allele CA3595216.
Genomic context (GRCh38, chr5:179,114,000, plus strand): 5'-TCATAGGGGCTCGGTCGTCGAGGGATTAGGTTGGGTGGCTGGACTTCATCTTCCAGGCCA[T>C]GGATTTTGTAGGGTTCATCTACGGCATTGGTTTCTGGGTGATCCTCTGTGGCATTGGTGC-3'
Protein context (NP_055059.2, residues 1158-1178): TNAVDEPYKI[His1168Arg]GLEDEVQPPN